The following is an entry in ClinVar:

ClinVar aggregate classification (germline): Uncertain significance. Review status: criteria provided, multiple submitters, no conflicts (2 of 4 stars). 2 submissions from 2 submitters: Uncertain significance (2). Last evaluated 2025-11-27.

Conditions:
Inborn genetic diseases. Identifiers: MedGen C0950123, MeSH D030342.

Submissions (2):

Labcorp Genetics (formerly Invitae), Labcorp
Classification: Uncertain significance. Last evaluated: 2025-11-27. Review status: criteria provided, single submitter. Criteria: Invitae Variant Classification Sherloc (09022015). Collection method: clinical testing. Allele origin: germline.
Comment: This sequence change replaces arginine, which is basic and polar, with histidine, which is basic and polar, at codon 140 of the PCYT1A protein (p.Arg140His). This variant is not present in population databases (gnomAD no frequency). This variant has not been reported in the literature in individuals affected with PCYT1A-related conditions. ClinVar contains an entry for this variant (Variation ID: 3887091). Invitae Evidence Modeling of protein sequence and biophysical properties (such as structural, functional, and spatial information, amino acid conservation, physicochemical variation, residue mobility, and thermodynamic stability) indicates that this missense variant is expected to disrupt PCYT1A protein function with a positive predictive value of 95%. In summary, the available evidence is currently insufficient to determine the role of this variant in disease. Therefore, it has been classified as a Variant of Uncertain Significance.

Ambry Genetics
Classification: Uncertain significance for Inborn genetic diseases. Last evaluated: 2025-01-29. Review status: criteria provided, single submitter. Criteria: Ambry Variant Classification Scheme 2023. Collection method: clinical testing. Allele origin: germline.

NM_001312673.2(PCYT1A):c.419G>A (p.Arg140His)

Genes: PCYT1A (phosphate cytidylyltransferase 1A, choline; minus strand), LOC126806932 (BRD4-independent group 4 enhancer GRCh37_chr3:195973646-195974845; plus strand). Cytogenetic location: 3q29.
Variant type: single nucleotide variant.
Coding change: c.419G>A on transcript NM_001312673.2 (MANE Select); coding-DNA position 419, G replaced by A.
Protein change: p.Arg140His; replaces arginine 140 with histidine.
Molecular consequence: missense variant.
Genome position (GRCh38, 1-based): chr3:196,247,434, C>T on the plus strand (G>A on the coding strand, the complement: PCYT1A is on the minus strand). VCF-style: chr3-196247434-C-T. GRCh37 (hg19) VCF-style: chr3-195974305-C-T.
Other names: c.419G>A, p.Arg140His (NM_005017.4); short protein forms R140H.
Identifiers: ClinVar variation 3887091 (VCV003887091.2).